The following is an entry in ClinVar:

NM_017697.4(ESRP1):c.775C>G (p.Leu259Val)

Gene: ESRP1 (epithelial splicing regulatory protein 1; plus strand). Cytogenetic location: 8q22.1.
Variant type: single nucleotide variant.
Coding change: c.775C>G on transcript NM_017697.4 (MANE Select); coding-DNA position 775, C replaced by G.
Protein change: p.Leu259Val; replaces leucine 259 with valine.
Molecular consequence: missense variant.
Genome position (GRCh38, 1-based): chr8:94,664,946, C>G. VCF-style: chr8-94664946-C-G. GRCh37 (hg19) VCF-style: chr8-95677174-C-G.
Other names: c.775C>G, p.Leu259Val (NM_001034915.3, NM_001122825.2, NM_001122826.2 and 1 more transcripts); short protein forms L259V.
Identifiers: ClinVar variation 545506 (VCV000545506.1), dbSNP rs1554577402, ClinGen allele CA371725654.

ClinVar aggregate classification (germline): Pathogenic. Review status: criteria provided, single submitter (1 of 4 stars). 2 submissions from 2 submitters: Pathogenic (1). 1 of the submissions does not count toward it. Last evaluated 2018-10-15.

Conditions:
Hearing loss, autosomal recessive 109. Also called: DEAFNESS, AUTOSOMAL RECESSIVE 109. Identifiers: MedGen C4693935, MONDO:0033202, OMIM 618013.

Submissions (2):

SIB Swiss Institute of Bioinformatics
Classification: Pathogenic for Hearing loss, autosomal recessive 109. Last evaluated: 2018-10-15. Review status: criteria provided, single submitter. Criteria: ACMG Guidelines, 2015. Collection method: curation. Allele origin: germline.
Comment: This variant is interpreted as Pathogenic, for Deafness, autosomal recessive, 109. The following ACMG Tag(s) were applied: PM2 => Absent from controls (or at extremely low frequency if recessive) in Exome Sequencing Project, 1000 Genomes Project, or Exome Aggregation Consortium. PP3 => Multiple lines of computational evidence support a deleterious effect on the gene or gene product. PP1 => Cosegregation with disease in multiple affected family members in a gene definitively known to cause the disease (PubMed 29107558). PM3 => For recessive disorders, detected in trans with a pathogenic variant (PubMed 29107558). PS3 => Well-established functional studies show a deleterious effect (PubMed 29107558).

OMIM
Classification: Pathogenic for DEAFNESS, AUTOSOMAL RECESSIVE 109 (1 family). Last evaluated: 2018-09-21. Review status: no assertion criteria provided. Collection method: literature only. Allele origin: germline. Not counted in ClinVar's aggregate classification.

Literature cited by the submitters: PubMed 29107558 (cited by SIB Swiss Institute of Bioinformatics and OMIM).